The following is an entry in ClinVar:

ClinVar aggregate classification (germline): Conflicting classifications of pathogenicity. Review status: criteria provided, conflicting classifications (1 of 4 stars). 2 submissions from 2 submitters: Uncertain significance (1); Likely benign (1). Last evaluated 2025-09-21.

Conditions:
Inborn genetic diseases. Identifiers: MedGen C0950123, MeSH D030342.
Hereditary sensory and autonomic neuropathy type 7. Also called: Neuropathy, hereditary sensory and autonomic, type VII; HSAN VII. Identifiers: Orphanet 391397, MedGen C3809882, MONDO:0014244, OMIM 615548.
Familial episodic pain syndrome with predominantly lower limb involvement. Also called: Episodic pain syndrome, familial, 3. Identifiers: Orphanet 391384, Orphanet 391392, MedGen C3809899, MONDO:0014247, OMIM 615552.

Allele frequency attached by ClinVar (database versions not stated): TOPMed below 0.00001; ExAC 0.00002.
gnomAD v4.1: 9 of 1,614,134 alleles (0.00056%); highest among the groups gnomAD compares: Admixed American, 0.013%; no homozygotes.

Submissions (2):

Ambry Genetics
Classification: Likely benign for Inborn genetic diseases. Last evaluated: 2025-09-21. Review status: criteria provided, single submitter. Criteria: Ambry Variant Classification Scheme 2023. Collection method: clinical testing. Allele origin: germline.

Labcorp Genetics (formerly Invitae), Labcorp
Classification: Uncertain significance for Familial episodic pain syndrome with predominantly lower limb involvement; Hereditary sensory and autonomic neuropathy type 7. Last evaluated: 2023-04-09. Review status: criteria provided, single submitter. Criteria: Invitae Variant Classification Sherloc (09022015). Collection method: clinical testing. Allele origin: germline.
Comment: In summary, the available evidence is currently insufficient to determine the role of this variant in disease. Therefore, it has been classified as a Variant of Uncertain Significance. Algorithms developed to predict the effect of missense changes on protein structure and function output the following: SIFT: "Not Available"; PolyPhen-2: "Benign"; Align-GVGD: "Not Available". The serine amino acid residue is found in multiple mammalian species, which suggests that this missense change does not adversely affect protein function. This variant has not been reported in the literature in individuals affected with SCN11A-related conditions. This variant is present in population databases (rs746055250, gnomAD 0.01%). This sequence change replaces alanine, which is neutral and non-polar, with serine, which is neutral and polar, at codon 827 of the SCN11A protein (p.Ala827Ser).

NM_001349253.2(SCN11A):c.2479G>T (p.Ala827Ser)

Gene: SCN11A (sodium voltage-gated channel alpha subunit 11; minus strand). Cytogenetic location: 3p22.2.
Variant type: single nucleotide variant.
Coding change: c.2479G>T on transcript NM_001349253.2 (MANE Select); coding-DNA position 2479, G replaced by T.
Protein change: p.Ala827Ser; replaces alanine 827 with serine.
Molecular consequence: missense variant.
Genome position (GRCh38, 1-based): chr3:38,894,889, C>A on the plus strand (G>T on the coding strand, the complement: SCN11A is on the minus strand). VCF-style: chr3-38894889-C-A. GRCh37 (hg19) VCF-style: chr3-38936380-C-A.
Other names: c.2479G>T, p.Ala827Ser (NM_014139.3); c.2479G>T (NM_014139.2); short protein forms A827S.
Identifiers: ClinVar variation 2922596 (VCV002922596.4), dbSNP rs746055250, ClinGen allele CA2322031.